The following is an entry in ClinVar:

ClinVar aggregate classification (germline): Pathogenic/Likely pathogenic. Review status: criteria provided, multiple submitters, no conflicts (2 of 4 stars). 5 submissions from 5 submitters: Pathogenic (4); Likely pathogenic (1). Last evaluated 2026-01-24.

Conditions:
3 beta-Hydroxysteroid dehydrogenase deficiency. Also called: 3b-hydroxysteroid dehydrogenase deficiency; Congenital adrenal hyperplasia due to 3-beta-hydroxysteroid dehydrogenase deficiency; 3-BETA-HSD DEFICIENCY; ADRENAL HYPERPLASIA II; ADRENAL HYPERPLASIA, CONGENITAL, DUE TO 3-BETA-HYDROXYSTEROID DEHYDROGENASE 2 DEFICIENCY. Identifiers: Orphanet 90791, MedGen C0342471, MeSH C538236, MONDO:0008727, OMIM 201810. Disease mechanism: loss of function.

Allele frequency attached by ClinVar (database versions not stated): ExAC 0.00002; gnomAD exomes 0.00002; TOPMed 0.00002; gnomAD 0.00005.

Submissions (5):

Labcorp Genetics (formerly Invitae), Labcorp
Classification: Pathogenic. Last evaluated: 2026-01-24. Review status: criteria provided, single submitter. Criteria: Invitae Variant Classification Sherloc (09022015). Collection method: clinical testing. Allele origin: germline.
Comment: This sequence change replaces alanine, which is neutral and non-polar, with threonine, which is neutral and polar, at codon 82 of the HSD3B2 protein (p.Ala82Thr). This variant is present in population databases (rs757033996, gnomAD 0.006%). This missense change has been observed in individuals with 3β-hydroxysteroid dehydrogenase deficiency (PMID: 8185809, 26021573, 28207417). It has also been observed to segregate with disease in related individuals. ClinVar contains an entry for this variant (Variation ID: 1070043). Invitae Evidence Modeling of protein sequence and biophysical properties (such as structural, functional, and spatial information, amino acid conservation, physicochemical variation, residue mobility, and thermodynamic stability) has been performed for this missense variant. However, the output from this modeling did not meet the statistical confidence thresholds required to predict the impact of this variant on HSD3B2 protein function. Experimental studies have shown that this missense change affects HSD3B2 function (PMID: 10599696). For these reasons, this variant has been classified as Pathogenic.

Dasa
Classification: Pathogenic. Last evaluated: 2025-11-08. Review status: criteria provided, single submitter. Criteria: DASA Assertion Criteria. Collection method: clinical testing. Allele origin: germline.
Comment: NM_000198.4(HSD3B2):c.244G>A (p.Ala82Thr) is a missense variant that results in the substitution of alanine with threonine. The affected residue or protein region has prior evidence supporting clinical relevance. Segregation evidence has been reported in affected families. This variant has been observed in affected individuals with related phenotype in a genotype context consistent with recessive disease (PMID: 26021573; PMID: 28207417; PMID: 8185809; PMID: 10599696). Functional evidence supports a deleterious effect on the gene or gene product (PMID: 26021573; PMID: 28207417; PMID: 8185809; PMID: 10599696). This variant has been recurrently observed in individuals with related phenotype (PMID: 26021573; PMID: 28207417; PMID: 8185809; PMID: 10599696). Multiple computational predictions support a deleterious effect on the gene or gene product. The variant is present at low frequency in population datasets. Based on the available data, this variant is classified as pathogenic.

Natera, Inc.
Classification: Likely pathogenic for 3 beta hydroxysteroid dehydrogenase deficiency. Last evaluated: 2025-03-19. Review status: criteria provided, single submitter. Criteria: Natera Variant Classification Schema (03/2026). Collection method: clinical testing. Allele origin: germline.
Comment: The c.244G>A variant in HSD3B2 is a missense variant predicted to cause substitution of alanine to threonine at amino acid 82. This variant is rare in the general population with a frequency below the threshold expected for the associated phenotype(s). This variant has been observed in one or more individuals affected with the associated recessive disease, as either homozygous or compound heterozygous with a second variant (PMID: 10599696, 8185809, 28207417). Functional studies show that this variant may disrupt protein function (PMID: 10599696). Computational prediction algorithms indicate this variant is likely to affect gene or protein function. Given the available evidence, this variant is classified as Likely Pathogenic.

Genomic Medicine Center of Excellence, King Faisal Specialist Hospital and Research Centre
Classification: Pathogenic for 3 beta-Hydroxysteroid dehydrogenase deficiency. Last evaluated: 2024-12-19. Review status: criteria provided, single submitter. Criteria: ACMG Guidelines, 2015. Collection method: clinical testing. Allele origin: germline.

Fulgent Genetics
Classification: Pathogenic for 3 beta-Hydroxysteroid dehydrogenase deficiency. Last evaluated: 2021-09-15. Review status: criteria provided, single submitter. Criteria: ACMG Guidelines, 2015. Collection method: clinical testing. Allele origin: unknown.

Literature cited by the submitters: PubMed 8185809 (cited by 3 submitters); PubMed 26021573 (cited by Labcorp Genetics (formerly Invitae), Labcorp and Dasa); PubMed 28207417 (cited by 3 submitters); PubMed 10599696 (cited by 3 submitters).

NM_000198.4(HSD3B2):c.244G>A (p.Ala82Thr)

Gene: HSD3B2 (hydroxy-delta-5-steroid dehydrogenase, 3 beta- and steroid delta-isomerase 2; plus strand). Cytogenetic location: 1p12.
Variant type: single nucleotide variant.
Coding change: c.244G>A on transcript NM_000198.4 (MANE Select); coding-DNA position 244, G replaced by A.
Protein change: p.Ala82Thr; replaces alanine 82 with threonine.
Molecular consequence: missense variant.
Genome position (GRCh38, 1-based): chr1:119,419,519, G>A. VCF-style: chr1-119419519-G-A. GRCh37 (hg19) VCF-style: chr1-119962142-G-A.
Other names: c.244G>A, p.Ala82Thr (NM_001166120.2); c.244G>A (NM_000198.3); short protein forms A82T.
Identifiers: ClinVar variation 1070043 (VCV001070043.13), dbSNP rs757033996, ClinGen allele CA1035929.